The following is an entry in ClinVar:

ClinVar aggregate classification (germline): Pathogenic (1 of 4 stars; one submission).

Conditions:
Hereditary breast ovarian cancer syndrome. Also called: Hereditary breast and ovarian cancer; Breast and ovarian cancer; BRCA1- and BRCA2-Associated Hereditary Breast and Ovarian Cancer; Hereditary breast and/or ovarian cancer syndrome; Hereditary breast and ovarian cancer syndrome; Hereditary breast and ovarian cancer syndrome (HBOC). Identifiers: Orphanet 145, MedGen C0677776, MeSH D061325, MONDO:0003582. Disease mechanism: loss of function.

Submission:

Labcorp Genetics (formerly Invitae), Labcorp
Classification: Pathogenic for Hereditary breast ovarian cancer syndrome. Last evaluated: 2021-01-31. Review status: criteria provided, single submitter. Criteria: Invitae Variant Classification Sherloc (09022015). Collection method: clinical testing. Allele origin: germline.
Comment: For these reasons, this variant has been classified as Pathogenic. Retrotransposon insertions including LINE1 (L1), Alu, and SVA (SINE-VNTR-Alu) have been reported to be disease-causing through disruption of either a coding region or splice site (PMID: 19763152, 20307669, 22406018) and loss-of-function variants in BRCA2 are known to be pathogenic (PMID: 20104584). This variant has not been reported in the literature in individuals with BRCA2-related conditions. This variant is not present in population databases (ExAC no frequency). This sequence change inserts a large fragment of DNA, likely a transposable element, in exon 11 of the BRCA2 gene (c.3209_3210ins?), causing a frameshift at codon 1071 (p.His1071fs). The exact size and sequence of the insertion cannot be determined by the current assay. However, the insertion is expected to result in an absent or disrupted protein product.

Literature cited by the submitters: PubMed 19763152; PubMed 20307669; PubMed 22406018; PubMed 20104584.

NM_000059.4(BRCA2):c.3209_3210insTGCATAAAAGACATTTATGCAGCCAAAAAACACATGAAGAAATGCTCATCATCACTGGCCATCAGAGAAATGCAAATCAAAACCACTATGAGATATCATCTCACACCANNNNNNNNNNAAAAAAAAAAAAAAAAAAAAAATACTGTATCTGC (p.Ala1070_His1071insAlaTer)

Gene: BRCA2 (BRCA2 DNA repair associated; plus strand). Cytogenetic location: 13q13.1.
Variant type: Insertion.
Coding change: c.3209_3210insTGCATAAAAGACATTTATGCAGCCAAAAAACACATGAAGAAATGCTCATCATCACTGGCCATCAGAGAAATGCAAATCAAAACCACTATGAGATATCATCTCACACCANNNNNNNNNNAAAAAAAAAAAAAAAAAAAAAATACTGTATCTGC on transcript NM_000059.4 (MANE Select); coding-DNA positions 3209 to 3210, TGCATAAAAGACATTTATGCAGCCAAAAAACACATGAAGAAATGCTCATCATCACTGGCCATCAGAGAAATGCAAATCAAAACCACTATGAGATATCATCTCACACCANNNNNNNNNNAAAAAAAAAAAAAAAAAAAAAATACTGTATCTGC inserted.
Protein change: p.Ala1070_His1071insAlaTer.
Molecular consequence: nonsense, inframe insertion.
Genome position: GRCh38: chr13:32,337,564-32,337,565. GRCh37 (hg19): chr13:32,911,701-32,911,702.
Identifiers: ClinVar variation 1457591 (VCV001457591.6), dbSNP rs2137494197.